The following is an entry in ClinVar:

NM_152618.3(BBS12):c.624A>G (p.Ala208=)

Gene: BBS12 (Bardet-Biedl syndrome 12; plus strand). Cytogenetic location: 4q27.
Variant type: single nucleotide variant.
Coding change: c.624A>G on transcript NM_152618.3 (MANE Select); coding-DNA position 624, A replaced by G.
Protein change: p.Ala208=; no amino-acid change (alanine 208 retained).
Molecular consequence: synonymous variant.
Genome position (GRCh38, 1-based): chr4:122,742,516, A>G. VCF-style: chr4-122742516-A-G. GRCh37 (hg19) VCF-style: chr4-123663671-A-G.
Other names: c.624A>G (NM_152618.2); c.624A>G, p.Ala208= (NM_001178007.2).
Identifiers: ClinVar variation 1162097 (VCV001162097.9), dbSNP rs1423331367, ClinGen allele CA441120508.

ClinVar aggregate classification (germline): Likely benign. Review status: criteria provided, single submitter (1 of 4 stars). 3 submissions from 3 submitters: Likely benign (1). 2 of the submissions do not count toward it. Last evaluated 2025-04-08.

Conditions:
BBS12-related disorder. Also called: BBS12-related condition.
Bardet-Biedl syndrome (BBS). Identifiers: Orphanet 110, MedGen C0752166, MONDO:0015229.
Bardet-Biedl syndrome 12 (BBS12). Identifiers: Orphanet 110, MedGen C1859570, MONDO:0014440, OMIM 615989.

Allele frequency attached by ClinVar (database versions not stated): gnomAD exomes below 0.00001; TOPMed below 0.00001; gnomAD 0.00001.
gnomAD v4.1: 3 of 1,614,082 alleles (0.00019%); highest among the groups gnomAD compares: Middle Eastern, 0.016%; no homozygotes.

Submissions (3):

Labcorp Genetics (formerly Invitae), Labcorp
Classification: Likely benign for Bardet-Biedl syndrome. Last evaluated: 2025-04-08. Review status: criteria provided, single submitter. Criteria: Invitae Variant Classification Sherloc (09022015). Collection method: clinical testing. Allele origin: germline.

PreventionGenetics, part of Exact Sciences
Classification: Likely benign for BBS12-related condition. Last evaluated: 2024-06-06. Review status: no assertion criteria provided. Collection method: clinical testing. Allele origin: germline. Not counted in ClinVar's aggregate classification.
Comment: This variant is classified as likely benign based on ACMG/AMP sequence variant interpretation guidelines (Richards et al. 2015 PMID: 25741868, with internal and published modifications).

Natera, Inc.
Classification: Likely benign for Bardet-Biedl syndrome type 12. Last evaluated: 2021-07-03. Review status: no assertion criteria provided. Collection method: clinical testing. Allele origin: germline. Not counted in ClinVar's aggregate classification.